The following is an entry in ClinVar:

NM_206933.4(USH2A):c.2168-2A>G

Gene: USH2A (usherin; minus strand). Cytogenetic location: 1q41.
Variant type: single nucleotide variant.
Coding change: c.2168-2A>G on transcript NM_206933.4 (MANE Select); the canonical splice acceptor site of the intron before coding-DNA position 2168, A replaced by G.
Molecular consequence: splice acceptor variant.
Genome position (GRCh38, 1-based): chr1:216,247,228, T>C on the plus strand (A>G on the coding strand, the complement: USH2A is on the minus strand). VCF-style: chr1-216247228-T-C. GRCh37 (hg19) VCF-style: chr1-216420570-T-C.
Other names: c.2168-2A>G (NM_007123.6).
Identifiers: ClinVar variation 556562 (VCV000556562.19), dbSNP rs993185407, ClinGen allele CA37501658.

ClinVar aggregate classification (germline): Pathogenic/Likely pathogenic. Review status: criteria provided, multiple submitters, no conflicts (2 of 4 stars). 9 submissions from 8 submitters: Pathogenic (3); Likely pathogenic (4). 2 of the submissions do not count toward it. Last evaluated 2025-09-08.

Conditions:
Retinitis pigmentosa (RP). Identifiers: Orphanet 791, MedGen C0035334, MeSH D012174, MONDO:0019200, OMIM 268000. Inheritance: Autosomal dominant, autosomal recessive and X linked inheritance.
Usher syndrome type 2A. Also called: RETINAL DISEASE IN USHER SYNDROME TYPE IIA, MODIFIER OF; USHER SYNDROME, TYPE IIA. Identifiers: Orphanet 231178, Orphanet 886, MedGen C1848634, MONDO:0010169, OMIM 276901.
USH2A-related disorder. Also called: USH2A-related disorders; USH2A-related condition. Identifiers: MedGen CN239332.
Retinitis pigmentosa 39 (RP39). Identifiers: Orphanet 791, MedGen C3151138, MONDO:0013436, OMIM 613809.

Allele frequency attached by ClinVar (database versions not stated): gnomAD exomes below 0.00001.
gnomAD v4.1: 5 of 1,613,792 alleles (0.00031%); highest among the groups gnomAD compares: Non-Finnish European, 0.00042%; no homozygotes.

Submissions (9):

Labcorp Genetics (formerly Invitae), Labcorp
Classification: Pathogenic. Last evaluated: 2025-09-08. Review status: criteria provided, single submitter. Criteria: Invitae Variant Classification Sherloc (09022015). Collection method: clinical testing. Allele origin: germline.
Comment: This sequence change affects an acceptor splice site in intron 12 of the USH2A gene. It is expected to disrupt RNA splicing. Variants that disrupt the donor or acceptor splice site typically lead to a loss of protein function (PMID: 16199547), and loss-of-function variants in USH2A are known to be pathogenic (PMID: 10729113, 10909849, 20507924, 25649381). This variant is not present in population databases (gnomAD no frequency). Disruption of this splice site has been observed in individual(s) with clinical features of Usher syndrome (internal data). In at least one individual the data is consistent with being in trans (on the opposite chromosome) from a pathogenic variant. ClinVar contains an entry for this variant (Variation ID: 556562). Algorithms developed to predict the effect of sequence changes on RNA splicing suggest that this variant may disrupt the consensus splice site. For these reasons, this variant has been classified as Pathogenic.

Baylor Genetics
Classification: Likely pathogenic for Retinitis pigmentosa 39. Last evaluated: 2024-02-19. Review status: criteria provided, single submitter. Criteria: ACMG Guidelines, 2015. Collection method: clinical testing. Allele origin: unknown.

Genome-Nilou Lab
Classification: Likely pathogenic for Retinitis pigmentosa 39. Last evaluated: 2023-04-11. Review status: criteria provided, single submitter. Criteria: ACMG Guidelines, 2015. Collection method: clinical testing. Allele origin: germline. Affected: no.

Genome-Nilou Lab
Classification: Likely pathogenic for Usher syndrome type 2A. Last evaluated: 2023-04-11. Review status: criteria provided, single submitter. Criteria: ACMG Guidelines, 2015. Collection method: clinical testing. Allele origin: germline. Affected: no.

Genetics and Molecular Pathology, SA Pathology
Classification: Likely pathogenic for Retinitis pigmentosa. Last evaluated: 2021-08-12. Review status: criteria provided, single submitter. Criteria: ACMG Guidelines, 2015. Collection method: clinical testing. Allele origin: germline. Inheritance: Autosomal recessive inheritance. Affected: yes.

Fulgent Genetics
Classification: Pathogenic for Usher syndrome type 2A; Retinitis pigmentosa 39. Last evaluated: 2018-10-31. Review status: criteria provided, single submitter. Criteria: ACMG Guidelines, 2015. Collection method: clinical testing. Allele origin: unknown.

Blueprint Genetics
Classification: Pathogenic for USH2A-related disorders. Last evaluated: 2017-11-29. Review status: criteria provided, single submitter. Criteria: ACMG Guidelines, 2015. Collection method: clinical testing. Allele origin: germline. Affected: yes. Observed: 2 variant alleles.

National Institute on Deafness and Communication Disorders, National Institutes of Health
Classification: Pathogenic for Usher syndrome type 2A. Last evaluated: 2019-12-10. Review status: no assertion criteria provided. Collection method: research. Allele origin: germline. Affected: yes. Observed: 1 compound heterozygote. Segregation with disease observed. Not counted in ClinVar's aggregate classification.

Counsyl
Classification: Likely pathogenic for Usher syndrome type 2A; Retinitis pigmentosa 39. Last evaluated: 2018-02-06. Review status: no assertion criteria provided. Collection method: clinical testing. Allele origin: unknown. Not counted in ClinVar's aggregate classification.

Literature cited by the submitters: PubMed 16199547 (cited by Labcorp Genetics (formerly Invitae), Labcorp); PubMed 10729113 (cited by Labcorp Genetics (formerly Invitae), Labcorp); PubMed 10909849 (cited by Labcorp Genetics (formerly Invitae), Labcorp); PubMed 20507924 (cited by Labcorp Genetics (formerly Invitae), Labcorp); PubMed 25649381 (cited by Labcorp Genetics (formerly Invitae), Labcorp).